The following is an entry in ClinVar:

ClinVar aggregate classification (germline): Uncertain significance (1 of 4 stars; one submission).

gnomAD v4.1: 2 of 1,614,098 alleles (0.00012%); highest among the groups gnomAD compares: South Asian, 0.0022%; no homozygotes.

Submission:

Labcorp Genetics (formerly Invitae), Labcorp
Classification: Uncertain significance. Last evaluated: 2025-07-16. Review status: criteria provided, single submitter. Criteria: Invitae Variant Classification Sherloc (09022015). Collection method: clinical testing. Allele origin: germline.
Comment: This sequence change replaces histidine, which is basic and polar, with tyrosine, which is neutral and polar, at codon 811 of the FAT4 protein (p.His811Tyr). This variant is present in population databases (no rsID available, gnomAD 0.003%). This variant has not been reported in the literature in individuals affected with FAT4-related conditions. Invitae Evidence Modeling of protein sequence and biophysical properties (such as structural, functional, and spatial information, amino acid conservation, physicochemical variation, residue mobility, and thermodynamic stability) has been performed for this missense variant. However, the output from this modeling did not meet the statistical confidence thresholds required to predict the impact of this variant on FAT4 protein function. In summary, the available evidence is currently insufficient to determine the role of this variant in disease. Therefore, it has been classified as a Variant of Uncertain Significance.

NM_001291303.3(FAT4):c.2431C>T (p.His811Tyr)

Gene: FAT4 (FAT atypical cadherin 4; plus strand). Cytogenetic location: 4q28.1.
Variant type: single nucleotide variant.
Coding change: c.2431C>T on transcript NM_001291303.3 (MANE Select); coding-DNA position 2431, C replaced by T.
Protein change: p.His811Tyr; replaces histidine 811 with tyrosine.
Molecular consequence: missense variant. On other transcripts: intron variant (1).
Genome position (GRCh38, 1-based): chr4:125,318,842, C>T. VCF-style: chr4-125318842-C-T. GRCh37 (hg19) VCF-style: chr4-126239997-C-T.
Other names: c.2431C>T, p.His811Tyr (NM_001291285.3, NM_001438396.1, NM_001438397.1 and 1 more transcripts); c.-55+2865C>T (NM_001437895.1); short protein forms H811Y.
Identifiers: ClinVar variation 4763259 (VCV004763259.1).
Genomic context (GRCh38, chr4:125,318,842, plus strand): 5'-CCTGTATTCAGTCAGGTTGCCTACAGCTTTGTGGTTTTTGAGAACGTGGCGCTGGGATAT[C>T]ATGTGGGTAGTGTGTCTGCATCCACCATGGATCTCAATTCCAACATCAGTTATCTCATTA-3'
Protein context (NP_001278232.1, residues 801-821): VVFENVALGY[His811Tyr]VGSVSASTMD